The following is an entry in ClinVar:

ClinVar aggregate classification (germline): Likely benign (0 of 4 stars; one submission).

Conditions:
PPP5C-related disorder. Also called: PPP5C-related condition.

Allele frequency attached by ClinVar (database versions not stated): 1000 Genomes Project 0.13958; 1000 Genomes Project 30x 0.14444; TOPMed 0.21601; gnomAD 0.22038; ESP Exome Variant Server 0.23223; ExAC 0.27470.
gnomAD v4.1: 425,174 of 1,601,346 alleles (27%); highest among the groups gnomAD compares: Non-Finnish European, 30%; 55,404 homozygotes.

Submission:

PreventionGenetics, part of Exact Sciences
Classification: Likely benign for PPP5C-related condition. Last evaluated: 2023-06-17. Review status: no assertion criteria provided. Collection method: clinical testing. Allele origin: germline.
Comment: This variant is classified as likely benign based on ACMG/AMP sequence variant interpretation guidelines (Richards et al. 2015 PMID: 25741868, with internal and published modifications).

NM_006247.4(PPP5C):c.492G>A (p.Ser164=)

Gene: PPP5C (protein phosphatase 5 catalytic subunit; plus strand). Cytogenetic location: 19q13.32.
Variant type: single nucleotide variant.
Coding change: c.492G>A on transcript NM_006247.4 (MANE Select); coding-DNA position 492, G replaced by A.
Protein change: p.Ser164=; no amino-acid change (serine 164 retained).
Molecular consequence: synonymous variant.
Genome position (GRCh38, 1-based): chr19:46,375,732, G>A. VCF-style: chr19-46375732-G-A. GRCh37 (hg19) VCF-style: chr19-46878989-G-A.
Other names: c.492G>A, p.Ser164= (NM_001204284.2).
Identifiers: ClinVar variation 3059137 (VCV003059137.2), dbSNP rs4239538, ClinGen allele CA9527999.